The following is an entry in ClinVar:

ClinVar aggregate classification (germline): Benign/Likely benign. Review status: criteria provided, multiple submitters, no conflicts (2 of 4 stars). 3 submissions from 2 submitters: Benign (1); Likely benign (2). Last evaluated 2018-07-09.

Conditions:
Leigh syndrome (NULS). Also called: Leigh Disease; Subacute necrotizing encephalopathy; Leigh Syndrome (mtDNA deletion); Leigh's syndrome; Leigh's necrotizing encephalopathy; Leigh's disease. Identifiers: Orphanet 506, MedGen C2931891, MONDO:0009723, OMIM 256000.
Mitochondrial complex I deficiency, nuclear type 1. Also called: NADH-COENZYME Q REDUCTASE DEFICIENCY; MITOCHONDRIAL NADH DEHYDROGENASE COMPONENT OF COMPLEX I, DEFICIENCY OF. Identifiers: MedGen C6022305, MONDO:0100224, OMIM 252010.

Allele frequency attached by ClinVar (database versions not stated): ESP Exome Variant Server 0.00657; TOPMed 0.00760; 1000 Genomes Project 0.00958; 1000 Genomes Project 30x 0.01062.

Submissions (3):

GeneDx
Classification: Likely benign. Last evaluated: 2018-07-09. Review status: criteria provided, single submitter. Criteria: GeneDx Variant Classification Process June 2021. Collection method: clinical testing. Allele origin: germline. Affected: yes.

Illumina Laboratory Services, Illumina
Classification: Likely benign for Mitochondrial complex I deficiency, nuclear type 1. Last evaluated: 2018-01-13. Review status: criteria provided, single submitter. Criteria: ICSL Variant Classification Criteria 13 December 2019. Collection method: clinical testing. Allele origin: germline.
Comment: This variant was observed in the ICSL laboratory as part of a predisposition screen in an ostensibly healthy population. It had not been previously curated by ICSL or reported in the Human Gene Mutation Database (HGMD: prior to June 1st, 2018), and was therefore a candidate for classification through an automated scoring system. Utilizing variant allele frequency, disease prevalence and penetrance estimates, and inheritance mode, an automated score was calculated to assess if this variant is too frequent to cause the disease. Based on the score and internal cut-off values, a variant classified as likely benign is not then subjected to further curation. The score for this variant resulted in a classification of likely benign for this disease.

Illumina Laboratory Services, Illumina
Classification: Benign for Leigh syndrome. Last evaluated: 2018-01-13. Review status: criteria provided, single submitter. Criteria: ICSL Variant Classification Criteria 13 December 2019. Collection method: clinical testing. Allele origin: germline.
Comment: This variant was observed in the ICSL laboratory as part of a predisposition screen in an ostensibly healthy population. It had not been previously curated by ICSL or reported in the Human Gene Mutation Database (HGMD: prior to June 1st, 2018), and was therefore a candidate for classification through an automated scoring system. Utilizing variant allele frequency, disease prevalence and penetrance estimates, and inheritance mode, an automated score was calculated to assess if this variant is too frequent to cause the disease. Based on the score and internal cut-off values, a variant classified as benign is not then subjected to further curation. The score for this variant resulted in a classification of benign for this disease.

NM_005006.7(NDUFS1):c.*53T>G

Gene: NDUFS1 (NADH:ubiquinone oxidoreductase core subunit S1; minus strand). Cytogenetic location: 2q33.3.
Variant type: single nucleotide variant.
Coding change: c.*53T>G on transcript NM_005006.7 (MANE Select); 53 bases downstream of the stop codon, T replaced by G.
Molecular consequence: 3 prime UTR variant.
Genome position (GRCh38, 1-based): chr2:206,124,132, A>C on the plus strand (T>G on the coding strand, the complement: NDUFS1 is on the minus strand). VCF-style: chr2-206124132-A-C. GRCh37 (hg19) VCF-style: chr2-206988856-A-C.
Other names: c.*53T>G (NM_001199981.2, NM_001199982.2, NM_001199983.2 and 1 more transcripts).
Identifiers: ClinVar variation 898934 (VCV000898934.6), dbSNP rs116335919, ClinGen allele CA63646122.